The following is an entry in ClinVar:

ClinVar aggregate classification (germline): Uncertain significance (1 of 4 stars; one submission).

Conditions:
Pseudo-Hurler polydystrophy. Also called: ML III; ML III ALPHA/BETA; Type III Mucolipidosis; ML IIIA; Mucolipidosis III Alpha/Beta; MUCOLIPIDOSIS IIIA. Identifiers: Orphanet 423461, Orphanet 577, MedGen C0033788, MONDO:0018931, OMIM 252600.
Mucolipidosis type II. Also called: ML II ALPHA/BETA; Mucolipidosis 2; ML 2; Inclusion cell disease; Leroy Disease; N-acetylglucosamine 1phosphotransferase deficiency. Identifiers: Orphanet 576, MedGen C2673377, MONDO:0009650, OMIM 252500.

Allele frequency attached by ClinVar (database versions not stated): gnomAD exomes below 0.00001 and 0.00002.
gnomAD v4.1: 27 of 1,613,406 alleles (0.0017%); highest among the groups gnomAD compares: Non-Finnish European, 0.0022%; no homozygotes.

Submission:

Labcorp Genetics (formerly Invitae), Labcorp
Classification: Uncertain significance for Pseudo-Hurler polydystrophy; Mucolipidosis type II. Last evaluated: 2021-10-21. Review status: criteria provided, single submitter. Criteria: Invitae Variant Classification Sherloc (09022015). Collection method: clinical testing. Allele origin: germline.
Comment: This sequence change replaces serine with asparagine at codon 794 of the GNPTAB protein (p.Ser794Asn). The serine residue is weakly conserved and there is a small physicochemical difference between serine and asparagine. This variant is not present in population databases (ExAC no frequency). This variant has not been reported in the literature in individuals with GNPTAB-related disease. Algorithms developed to predict the effect of missense changes on protein structure and function (SIFT, PolyPhen-2, Align-GVGD) all suggest that this variant is likely to be tolerated, but these predictions have not been confirmed by published functional studies and their clinical significance is uncertain. In summary, the available evidence is currently insufficient to determine the role of this variant in disease. Therefore, it has been classified as a Variant of Uncertain Significance.

NM_024312.5(GNPTAB):c.2381G>A (p.Ser794Asn)

Gene: GNPTAB (N-acetylglucosamine-1-phosphate transferase subunits alpha and beta; minus strand). Cytogenetic location: 12q23.2.
Variant type: single nucleotide variant.
Coding change: c.2381G>A on transcript NM_024312.5 (MANE Select); coding-DNA position 2381, G replaced by A.
Protein change: p.Ser794Asn; replaces serine 794 with asparagine.
Molecular consequence: missense variant.
Genome position (GRCh38, 1-based): chr12:101,764,536, C>T on the plus strand (G>A on the coding strand, the complement: GNPTAB is on the minus strand). VCF-style: chr12-101764536-C-T. GRCh37 (hg19) VCF-style: chr12-102158314-C-T.
Other names: short protein forms S794N.
Identifiers: ClinVar variation 1499085 (VCV001499085.3), dbSNP rs1566073760, ClinGen allele CA386298370.